The following is an entry in ClinVar:

NM_001378454.1(ALMS1):c.2535C>G (p.Asp845Glu)

Gene: ALMS1 (ALMS1 centrosome and basal body associated protein; plus strand). Cytogenetic location: 2p13.1.
Variant type: single nucleotide variant.
Coding change: c.2535C>G on transcript NM_001378454.1 (MANE Select); coding-DNA position 2535, C replaced by G.
Protein change: p.Asp845Glu; replaces aspartic acid 845 with glutamic acid.
Molecular consequence: missense variant.
Genome position (GRCh38, 1-based): chr2:73,449,062, C>G. VCF-style: chr2-73449062-C-G. GRCh37 (hg19) VCF-style: chr2-73676189-C-G.
Other names: c.2538C>G, p.Asp846Glu (NM_015120.4); short protein forms D846E, D845E.
Identifiers: ClinVar variation 426397 (VCV000426397.43), dbSNP rs77517267, ClinGen allele CA1713373.
Genomic context (GRCh38, chr2:73,449,062, plus strand): 5'-GCTGGACAGCCATCTACCCGAAGAGGCTCTGAAAGTTTCAGCTGTTTCTGGACCAGCTGA[C>G]GGAAAGACTGGGACACCAGCTGTAACCTCTACTTCCTCTGCGTCCTCTTCACTTGGAGAA-3'
Protein context (NP_001365383.1, residues 835-855): LKVSAVSGPA[Asp845Glu]GKTGTPAVTS

ClinVar aggregate classification (germline): Conflicting classifications of pathogenicity. Review status: criteria provided, conflicting classifications (1 of 4 stars). 6 submissions from 6 submitters: Uncertain significance (1); Likely benign (5). Last evaluated 2026-07-28.

Conditions:
Alstrom syndrome (ALMS). Identifiers: Orphanet 64, MedGen C0268425, MONDO:0008763, OMIM 203800.
Cardiovascular phenotype. Identifiers: MedGen CN230736.

Allele frequency attached by ClinVar (database versions not stated): 1000 Genomes Project 0.00080; 1000 Genomes Project 30x 0.00109.
gnomAD v4.1: 212 of 1,614,084 alleles (0.013%); highest among the groups gnomAD compares: African/African-American, 0.23%; no homozygotes.

Submissions (6):

GeneDx
Classification: Uncertain significance. Last evaluated: 2026-07-28. Review status: criteria provided, single submitter. Criteria: GeneDx Variant Classification Process June 2021. Collection method: clinical testing. Allele origin: germline.
Comment: Reported as a heterozygous variant in a pediatric patient with HCM who also harbored variants in autosomal dominant genes (PMID: 32746448); In silico analysis suggests that this missense variant does not alter protein structure/function; This variant is associated with the following publications: (PMID: 32746448)

Labcorp Genetics (formerly Invitae), Labcorp
Classification: Likely benign for Alstrom syndrome. Last evaluated: 2026-01-25. Review status: criteria provided, single submitter. Criteria: Invitae Variant Classification Sherloc (09022015). Collection method: clinical testing. Allele origin: germline.

CeGaT Center for Human Genetics Tuebingen
Classification: Likely benign. Last evaluated: 2026-01-01. Review status: criteria provided, single submitter. Criteria: CeGaT Center For Human Genetics Tuebingen Variant Classification Criteria Version 2. Collection method: clinical testing. Allele origin: germline. Affected: yes. Observed: 3 variant alleles.
Comment: ALMS1: BP4

Women's Health and Genetics/Laboratory Corporation of America, LabCorp
Classification: Likely benign. Last evaluated: 2025-06-13. Review status: criteria provided, single submitter. Criteria: LabCorp Variant Classification Summary - May 2015. Collection method: clinical testing. Allele origin: germline.
Comment: Variant summary: ALMS1 c.2532C>G (p.Asp844Glu) results in a conservative amino acid change in the encoded protein sequence. Algorithms developed to predict the effect of missense changes on protein structure and function all suggest that this variant is likely to be tolerated. The variant allele was found at a frequency of 0.00017 in 248886 control chromosomes, predominantly at a frequency of 0.0021 within the African or African-American subpopulation in the gnomAD database. The observed variant frequency within African or African-American control individuals in the gnomAD database is approximately 1.5 fold of the estimated maximal expected allele frequency for a pathogenic variant in ALMS1 causing Alstrom Syndrome phenotype (0.0014). To our knowledge, no occurrence of c.2532C>G in individuals affected with Alstrom Syndrome and no experimental evidence demonstrating its impact on protein function have been reported. ClinVar contains an entry for this variant (Variation ID: 426397). Based on the evidence outlined above, the variant was classified as likely benign.

Blueprint Genetics
Classification: Likely benign. Last evaluated: 2023-11-21. Review status: criteria provided, single submitter. Criteria: ACMG Guidelines, 2015. Collection method: clinical testing. Allele origin: germline.

Ambry Genetics
Classification: Likely benign for Cardiovascular phenotype. Last evaluated: 2021-05-24. Review status: criteria provided, single submitter. Criteria: Ambry Variant Classification Scheme 2023. Collection method: clinical testing. Allele origin: germline.